The following is an entry in ClinVar:

NM_006904.7(PRKDC):c.1576G>T (p.Asp526Tyr)

Gene: PRKDC (protein kinase, DNA-activated, catalytic subunit; minus strand). Cytogenetic location: 8q11.21.
Variant type: single nucleotide variant.
Coding change: c.1576G>T on transcript NM_006904.7 (MANE Select); coding-DNA position 1576, G replaced by T.
Protein change: p.Asp526Tyr; replaces aspartic acid 526 with tyrosine.
Molecular consequence: missense variant.
Genome position (GRCh38, 1-based): chr8:47,934,012, C>A on the plus strand (G>T on the coding strand, the complement: PRKDC is on the minus strand). VCF-style: chr8-47934012-C-A. GRCh37 (hg19) VCF-style: chr8-48846572-C-A.
Other names: c.1576G>T, p.Asp526Tyr (NM_001081640.2); short protein forms D526Y.
Identifiers: ClinVar variation 2564569 (VCV002564569.2), dbSNP rs2090303918, ClinGen allele CA371165349.
Genomic context (GRCh38, chr8:47,934,012, plus strand): 5'-TGGTAAATGTTACCATCATCTGGTCAGAGCTCAGGAGATGTCTGAAGAGATCCACGTAGT[C>A]TTTGTATGTGGGCACCTTCCATTTGCCAGTTCTGACTTCCCCTGAAGCACGGTGGTCTTC-3'
Protein context (NP_008835.5, residues 516-536): TGKWKVPTYK[Asp526Tyr]YVDLFRHLLS

ClinVar aggregate classification (germline): Uncertain significance (1 of 4 stars; one submission).

Submission:

Ambry Genetics
Classification: Uncertain significance. Last evaluated: 2023-06-08. Review status: criteria provided, single submitter. Criteria: Ambry Variant Classification Scheme 2023. Collection method: clinical testing. Allele origin: germline.
Comment: The p.D526Y variant (also known as c.1576G>T), located in coding exon 15 of the PRKDC gene, results from a G to T substitution at nucleotide position 1576. The aspartic acid at codon 526 is replaced by tyrosine, an amino acid with highly dissimilar properties. This amino acid position is conserved. In addition, the in silico prediction for this alteration is inconclusive. Since supporting evidence is limited at this time, the clinical significance of this alteration remains unclear.